The following is an entry in ClinVar:

NM_006516.4(SLC2A1):c.1407G>C (p.Gln469His)

Gene: SLC2A1 (solute carrier family 2 member 1; minus strand). Cytogenetic location: 1p34.2.
Variant type: single nucleotide variant.
Coding change: c.1407G>C on transcript NM_006516.4 (MANE Select); coding-DNA position 1407, G replaced by C.
Protein change: p.Gln469His; replaces glutamine 469 with histidine.
Molecular consequence: missense variant.
Genome position (GRCh38, 1-based): chr1:42,927,113, C>G on the plus strand (G>C on the coding strand, the complement: SLC2A1 is on the minus strand). VCF-style: chr1-42927113-C-G. GRCh37 (hg19) VCF-style: chr1-43392784-C-G.
Other names: short protein forms Q469H.
Identifiers: ClinVar variation 374095 (VCV000374095.15), dbSNP rs201748668, ClinGen allele CA16043367.
Genomic context (GRCh38, chr1:42,927,113, plus strand): 5'-ATCAGCCCCCAGGGGATGGAACAGCTCCTCGGGTGTCTTGTCACTTTGGCTGGCTCCCCC[C>G]TGCCGGAAGCCGGAAGCGATCTCATCGAAGGTCCGGCCTTTAGTCTCAGGAACTTTGAAG-3'
Protein context (NP_006507.2, residues 459-479): TFDEIASGFR[Gln469His]GGASQSDKTP

ClinVar aggregate classification (germline): Uncertain significance. Review status: criteria provided, multiple submitters, no conflicts (2 of 4 stars). 9 submissions from 4 submitters: Uncertain significance (9). Last evaluated 2025-12-08.

Conditions:
Encephalopathy due to GLUT1 deficiency. Also called: Classic Glucose Transporter Type 1 Deficiency Syndrome; GLUCOSE TRANSPORT DEFECT, BLOOD-BRAIN BARRIER; De Vivo disease; GLUT1 deficiency syndrome 1, infantile onset, severe; Glucose transporter protein syndrome; GLUT1 deficiency syndrome 1. Identifiers: Orphanet 71277, MedGen C4551966, MONDO:0011724, OMIM 606777.
GLUT1 deficiency syndrome 1, autosomal recessive. Identifiers: MedGen C3149117.
Childhood onset GLUT1 deficiency syndrome 2. Also called: Exertion-induced paroxysmal dyskinesia; PAROXYSMAL EXERCISE-INDUCED DYSKINESIA WITH OR WITHOUT EPILEPSY AND/OR HEMOLYTIC ANEMIA; PAROXYSMAL EXERTION-INDUCED DYSTONIA WITH OR WITHOUT EPILEPSY AND/OR HEMOLYTIC ANEMIA; PED WITH OR WITHOUT EPILEPSY AND/OR HEMOLYTIC ANEMIA; Paroxysmal exercise-induced dystonia; PxMD-SLC2A1. Identifiers: Orphanet 98811, MedGen C1842534, MONDO:0012805, OMIM 612126.
Dystonia 9 (DYT9). Also called: CHOREOATHETOSIS, KINESIGENIC, WITH EPISODIC ATAXIA AND SPASTICITY. Identifiers: Orphanet 53583, MedGen C1832855, MONDO:0010983, OMIM 601042.
Epilepsy, idiopathic generalized, susceptibility to, 12 (EIG12). Identifiers: MedGen C3553859, MONDO:0013919, OMIM 614847.
Hereditary cryohydrocytosis with reduced stomatin. Also called: Stomatin-deficient cryohydrocytosis with neurologic defects; GLUT1 DEFICIENCY SYNDROME WITH PSEUDOHYPERKALEMIA AND HEMOLYSIS. Identifiers: Orphanet 168577, MedGen C1837206, MONDO:0012143, OMIM 608885.
Myopathy. Identifiers: MedGen C0026848, MeSH D009135, MONDO:0005336, HP:0003198.
Abnormality of the musculature. Identifiers: MedGen C4021745, HP:0003011.
Myalgia. Identifiers: MedGen C0231528, HP:0003326.
Exercise-induced myalgia. Identifiers: MedGen C1850830, HP:0003738.
Migraine. Also called: Migraine disorder. Identifiers: MedGen C0149931, MONDO:0005277, HP:0002076.
Muscle weakness. Identifiers: MedGen C0151786, HP:0001324.
Increased muscle glycogen content. Also called: Glycogen content in skeletal muscle, increased. Identifiers: MedGen C1968729, HP:0009051.

Allele frequency attached by ClinVar (database versions not stated): 1000 Genomes Project 0.00020; gnomAD exomes below 0.00001; gnomAD 0.00001; 1000 Genomes Project 30x 0.00031.
gnomAD v4.1: 7 of 1,614,220 alleles (0.00043%); highest among the groups gnomAD compares: East Asian, 0.0022%; no homozygotes.

Submissions (9):

Labcorp Genetics (formerly Invitae), Labcorp
Classification: Uncertain significance for GLUT1 deficiency syndrome 1, autosomal recessive. Last evaluated: 2025-12-08. Review status: criteria provided, single submitter. Criteria: Invitae Variant Classification Sherloc (09022015). Collection method: clinical testing. Allele origin: germline.
Comment: This sequence change replaces glutamine, which is neutral and polar, with histidine, which is basic and polar, at codon 469 of the SLC2A1 protein (p.Gln469His). This variant is not present in population databases (gnomAD no frequency). This variant has not been reported in the literature in individuals affected with SLC2A1-related conditions. ClinVar contains an entry for this variant (Variation ID: 374095). Invitae Evidence Modeling of protein sequence and biophysical properties (such as structural, functional, and spatial information, amino acid conservation, physicochemical variation, residue mobility, and thermodynamic stability) has been performed for this missense variant. However, the output from this modeling did not meet the statistical confidence thresholds required to predict the impact of this variant on SLC2A1 protein function. In summary, the available evidence is currently insufficient to determine the role of this variant in disease. Therefore, it has been classified as a Variant of Uncertain Significance.

Genome-Nilou Lab
Classification: Uncertain significance for Epilepsy, idiopathic generalized, susceptibility to, 12. Last evaluated: 2023-04-11. Review status: criteria provided, single submitter. Criteria: ACMG Guidelines, 2015. Collection method: clinical testing. Allele origin: germline. Affected: no.

Genome-Nilou Lab
Classification: Uncertain significance for Dystonia 9. Last evaluated: 2023-04-11. Review status: criteria provided, single submitter. Criteria: ACMG Guidelines, 2015. Collection method: clinical testing. Allele origin: germline. Affected: no.

Genome-Nilou Lab
Classification: Uncertain significance for Encephalopathy due to GLUT1 deficiency. Last evaluated: 2023-04-11. Review status: criteria provided, single submitter. Criteria: ACMG Guidelines, 2015. Collection method: clinical testing. Allele origin: germline. Affected: no.

Genome-Nilou Lab
Classification: Uncertain significance for Childhood onset GLUT1 deficiency syndrome 2. Last evaluated: 2023-04-11. Review status: criteria provided, single submitter. Criteria: ACMG Guidelines, 2015. Collection method: clinical testing. Allele origin: germline. Affected: no.

Genome-Nilou Lab
Classification: Uncertain significance for Hereditary cryohydrocytosis with reduced stomatin. Last evaluated: 2023-04-11. Review status: criteria provided, single submitter. Criteria: ACMG Guidelines, 2015. Collection method: clinical testing. Allele origin: germline. Affected: no.

GeneDx
Classification: Uncertain significance. Last evaluated: 2019-05-07. Review status: criteria provided, single submitter. Criteria: GeneDx Variant Classification Process June 2021. Collection method: clinical testing. Allele origin: germline. Affected: yes.
Comment: Has not been previously published as pathogenic or benign to our knowledge; Not observed in large population cohorts (Lek et al., 2016); In silico analysis, which includes protein predictors and evolutionary conservation, supports that this variant does not alter protein structure/function

Centre for Mendelian Genomics, University Medical Centre Ljubljana
Classification: Uncertain significance for Epilepsy, idiopathic generalized, susceptibility to, 12. Last evaluated: 2016-01-01. Review status: criteria provided, single submitter. Criteria: ACMG Guidelines, 2015. Collection method: clinical testing. Allele origin: unknown. Affected: yes.
Comment: This variant was classified as: Uncertain significance.

Centre for Mendelian Genomics, University Medical Centre Ljubljana
Classification: Uncertain significance for Abnormality of the musculature; Exercise-induced myalgia; Increased muscle glycogen content; Migraine; Muscle weakness; Myalgia; Myopathy. Last evaluated: 2015-05-05. Review status: criteria provided, single submitter. Criteria: ACMG Guidelines, 2015. Collection method: clinical testing. Allele origin: unknown. Affected: yes.